The following is an entry in ClinVar:

NM_005726.6(TSFM):c.679C>G (p.His227Asp)

Gene: TSFM (Ts translation elongation factor, mitochondrial; plus strand). Cytogenetic location: 12q14.1.
Variant type: single nucleotide variant.
Coding change: c.679C>G on transcript NM_005726.6 (MANE Select); coding-DNA position 679, C replaced by G.
Protein change: p.His227Asp; replaces histidine 227 with aspartic acid.
Molecular consequence: missense variant. On other transcripts: 3 prime UTR variant (1), intron variant (1).
Genome position (GRCh38, 1-based): chr12:57,796,284, C>G. VCF-style: chr12-57796284-C-G. GRCh37 (hg19) VCF-style: chr12-58190067-C-G.
Other names: c.*87C>G (NM_001172695.2); c.742C>G, p.His248Asp (NM_001172696.2); c.571+3211C>G (NM_001172697.2); short protein forms H248D, H227D.
Identifiers: ClinVar variation 450022 (VCV000450022.3), dbSNP rs1290408644, ClinGen allele CA385530444.

ClinVar aggregate classification (germline): Uncertain significance (1 of 4 stars; one submission).

Allele frequency attached by ClinVar (database versions not stated): gnomAD exomes below 0.00001.
gnomAD v4.1: 1 of 1,612,644 alleles (0.000062%); highest among the groups gnomAD compares: Non-Finnish European, 0.000085%; no homozygotes.

Submission:

GeneDx
Classification: Uncertain significance. Last evaluated: 2019-06-07. Review status: criteria provided, single submitter. Criteria: GeneDx Variant Classification Process June 2021. Collection method: clinical testing. Allele origin: germline. Affected: yes.
Comment: Not observed in large population cohorts (Lek et al., 2016); In silico analysis, which includes protein predictors and evolutionary conservation, supports that this variant does not alter protein structure/function; Has not been previously published as pathogenic or benign to our knowledge